The following is an entry in ClinVar:

NM_000528.4(MAN2B1):c.1468_1472del (p.Phe490fs)

Gene: MAN2B1 (mannosidase alpha class 2B member 1; minus strand). Cytogenetic location: 19p13.13.
Variant type: Deletion.
Coding change: c.1468_1472del on transcript NM_000528.4 (MANE Select); coding-DNA positions 1468 to 1472, 5 bases deleted (TTCAC; older notation c.1468_1472delTTCAC).
Protein change: p.Phe490fs; shifts the reading frame from phenylalanine 490.
Molecular consequence: frameshift variant.
Genome position (GRCh38, 1-based): chr19:12,657,004-12,657,008, GTGAA deleted on the plus strand (TTCAC on the coding strand, the reverse complement: MAN2B1 is on the minus strand); deleting any 5 consecutive bases within chr19:12,657,004-12,657,012 gives the same sequence; the c. name uses the placement nearest the transcript's 3' end. VCF-style (leftmost placement, unchanged base first): chr19-12657003-GGTGAA-G. GRCh37 (hg19) VCF-style: chr19-12767817-GGTGAA-G.
Other names: c.1465_1469del, p.Phe489fs (NM_001173498.2); c.1468_1472delTTCAC (NM_000528.4); short protein forms F490fs, F489fs.
Identifiers: ClinVar variation 371492 (VCV000371492.5), dbSNP rs1057517316, ClinGen allele CA16041951.

ClinVar aggregate classification (germline): Pathogenic. Review status: criteria provided, multiple submitters, no conflicts (2 of 4 stars). 3 submissions from 3 submitters: Pathogenic (2). 1 of the submissions does not count toward it. Last evaluated 2025-06-05.

Conditions:
Deficiency of alpha-mannosidase (MANSA). Also called: Alpha-Mannosidosis; Mannosidosis, alpha-, types I and II; LYSOSOMAL ALPHA-D-MANNOSIDASE DEFICIENCY. Identifiers: Orphanet 61, MedGen C0024748, MONDO:0009561, OMIM 248500.

Submissions (3):

Women's Health and Genetics/Laboratory Corporation of America, LabCorp
Classification: Pathogenic for Deficiency of alpha-mannosidase. Last evaluated: 2025-06-05. Review status: criteria provided, single submitter. Criteria: LabCorp Variant Classification Summary - May 2015. Collection method: clinical testing. Allele origin: germline.
Comment: Variant summary: MAN2B1 c.1468_1472delTTCAC (p.Phe490LeufsX25) results in a premature termination codon, predicted to cause a truncation of the encoded protein or absence of the protein due to nonsense mediated decay, which are commonly known mechanisms for disease. The variant was absent in 250192 control chromosomes. c.1468_1472delTTCAC has been observed in individual(s) affected with Alpha-Mannosidosis (example: Santoro_2023). The following publication has been ascertained in the context of this evaluation (PMID: 37045799). ClinVar contains an entry for this variant (Variation ID: 371492). Based on the evidence outlined above, the variant was classified as pathogenic.

Labcorp Genetics (formerly Invitae), Labcorp
Classification: Pathogenic for Deficiency of alpha-mannosidase. Last evaluated: 2025-04-20. Review status: criteria provided, single submitter. Criteria: Invitae Variant Classification Sherloc (09022015). Collection method: clinical testing. Allele origin: germline.
Comment: This sequence change creates a premature translational stop signal (p.Phe490Leufs*25) in the MAN2B1 gene. It is expected to result in an absent or disrupted protein product. Loss-of-function variants in MAN2B1 are known to be pathogenic (PMID: 9915946, 22161967). This variant is not present in population databases (gnomAD no frequency). This premature translational stop signal has been observed in individual(s) with alpha-mannosidosis (PMID: 32905047). ClinVar contains an entry for this variant (Variation ID: 371492). For these reasons, this variant has been classified as Pathogenic.

Counsyl
Classification: Likely pathogenic for Deficiency of alpha-mannosidase. Last evaluated: 2016-10-04. Review status: no assertion criteria provided. Collection method: clinical testing. Allele origin: unknown. Not counted in ClinVar's aggregate classification.

Literature cited by the submitters: PubMed 37045799 (cited by Women's Health and Genetics/Laboratory Corporation of America, LabCorp); PubMed 9915946 (cited by Labcorp Genetics (formerly Invitae), Labcorp); PubMed 22161967 (cited by Labcorp Genetics (formerly Invitae), Labcorp); PubMed 32905047 (cited by Labcorp Genetics (formerly Invitae), Labcorp).